The following is an entry in ClinVar:

NM_001365999.1(SZT2):c.8615C>G (p.Pro2872Arg)

Gene: SZT2 (SZT2 subunit of KICSTOR complex; plus strand). Cytogenetic location: 1p34.2.
Variant type: single nucleotide variant.
Coding change: c.8615C>G on transcript NM_001365999.1 (MANE Select); coding-DNA position 8615, C replaced by G.
Protein change: p.Pro2872Arg; replaces proline 2872 with arginine.
Molecular consequence: missense variant.
Genome position (GRCh38, 1-based): chr1:43,443,467, C>G. VCF-style: chr1-43443467-C-G. GRCh37 (hg19) VCF-style: chr1-43909138-C-G.
Other names: c.8444C>G, p.Pro2815Arg (NM_015284.4); c.8444C>G (NM_015284.3); short protein forms P2815R, P2872R.
Identifiers: ClinVar variation 1421956 (VCV001421956.7), dbSNP rs771140382, ClinGen allele CA21648980.
Genomic context (GRCh38, chr1:43,443,467, plus strand): 5'-CAGCCATGCTCTTCGACCCAGCTGCCTGGCTGCATGGGCCCCCAGAGACCTCTGGACCCC[C>G]TGACGGGCAGGTAAGGCTGACTCCCAGACTTCTAGCAGACCTTTGCTTACCCCACAGTGA-3'
Protein context (NP_001352928.1, residues 2862-2882): LHGPPETSGP[Pro2872Arg]DGQRRHRPES

ClinVar aggregate classification (germline): Uncertain significance. Review status: criteria provided, multiple submitters, no conflicts (2 of 4 stars). 2 submissions from 2 submitters: Uncertain significance (2). Last evaluated 2025-09-02.

Conditions:
Inborn genetic diseases. Identifiers: MedGen C0950123, MeSH D030342.

gnomAD v4.1: 8 of 1,614,074 alleles (0.0005%); highest among the groups gnomAD compares: African/African-American, 0.0053%; no homozygotes.

Submissions (2):

Labcorp Genetics (formerly Invitae), Labcorp
Classification: Uncertain significance. Last evaluated: 2025-09-02. Review status: criteria provided, single submitter. Criteria: Invitae Variant Classification Sherloc (09022015). Collection method: clinical testing. Allele origin: germline.
Comment: This sequence change replaces proline, which is neutral and non-polar, with arginine, which is basic and polar, at codon 2815 of the SZT2 protein (p.Pro2815Arg). This variant is present in population databases (no rsID available, gnomAD 0.007%). This variant has not been reported in the literature in individuals affected with SZT2-related conditions. ClinVar contains an entry for this variant (Variation ID: 1421956). Invitae Evidence Modeling of protein sequence and biophysical properties (such as structural, functional, and spatial information, amino acid conservation, physicochemical variation, residue mobility, and thermodynamic stability) indicates that this missense variant is not expected to disrupt SZT2 protein function with a negative predictive value of 80%. In summary, the available evidence is currently insufficient to determine the role of this variant in disease. Therefore, it has been classified as a Variant of Uncertain Significance.

Ambry Genetics
Classification: Uncertain significance for Inborn genetic diseases. Last evaluated: 2024-05-07. Review status: criteria provided, single submitter. Criteria: Ambry Variant Classification Scheme 2023. Collection method: clinical testing. Allele origin: germline.